The following is an entry in ClinVar:

NM_017514.5(PLXNA3):c.935C>G (p.Ala312Gly)

Gene: PLXNA3 (plexin A3; plus strand). Cytogenetic location: Xq28.
Variant type: single nucleotide variant.
Coding change: c.935C>G on transcript NM_017514.5 (MANE Select); coding-DNA position 935, C replaced by G.
Protein change: p.Ala312Gly; replaces alanine 312 with glycine.
Molecular consequence: missense variant.
Genome position (GRCh38, 1-based): chrX:154,461,439, C>G. VCF-style: chrX-154461439-C-G. GRCh37 (hg19) VCF-style: chrX-153689779-C-G.
Other names: short protein forms A312G.
Identifiers: ClinVar variation 2636775 (VCV002636775.1), dbSNP rs782229837, ClinGen allele CA10563864.

ClinVar aggregate classification (germline): Uncertain significance (1 of 4 stars; one submission).

Conditions:
PLXNA3-related disorder. Also called: PLXNA3-related condition.

Allele frequency attached by ClinVar (database versions not stated): ExAC 0.00001; gnomAD exomes 0.00001; TOPMed 0.00003.

Submission:

PreventionGenetics, part of Exact Sciences
Classification: Uncertain significance for PLXNA3-related condition. Last evaluated: 2023-08-25. Review status: criteria provided, single submitter. Criteria: ACMG Guidelines, 2015. Collection method: clinical testing. Allele origin: germline.
Comment: The PLXNA3 c.935C>G variant is predicted to result in the amino acid substitution p.Ala312Gly. To our knowledge, this variant has not been reported in the literature. This variant is reported in 0.029% of alleles in individuals of East Asian descent in gnomAD. At this time, the clinical significance of this variant is uncertain due to the absence of conclusive functional and genetic evidence.